The following is an entry in ClinVar:

ClinVar aggregate classification (germline): Pathogenic. Review status: criteria provided, multiple submitters, no conflicts (2 of 4 stars). 3 submissions from 3 submitters: Pathogenic (2). 1 of the submissions does not count toward it. Last evaluated 2025-01-25.

Conditions:
Neuronal ceroid lipofuscinosis 3 (CLN3). Identifiers: Orphanet 228346, MedGen C0751383, MONDO:0008767, OMIM 204200.

Submissions (3):

Myriad Genetics, Inc.
Classification: Pathogenic for Neuronal ceroid lipofuscinosis 3. Last evaluated: 2025-01-25. Review status: criteria provided, single submitter. Criteria: Myriad Autosomal Dominant, Autosomal Recessive and X-Linked Classification Criteria (2023). Collection method: clinical testing. Allele origin: unknown.
Comment: NM_001042432.1(CLN3):c.485C>G(S162*) is expected to be pathogenic in the context of CLN3-related disorders. This variant is predicted to lead to an abnormal or absent protein product due to the creation of a premature termination codon in CLN3, a gene where loss-of-function variants are known to be pathogenic. Please note: this variant was assessed in the context of healthy population screening.

Baylor Genetics
Classification: Pathogenic for Neuronal ceroid lipofuscinosis 3. Last evaluated: 2023-04-12. Review status: criteria provided, single submitter. Criteria: ACMG Guidelines, 2015. Collection method: clinical testing. Allele origin: unknown.

Juha Muilu Group; Institute for Molecular Medicine Finland (FIMM)
Classification: Likely pathogenic for Juvenile neuronal ceroid lipofuscinosis. Review status: no assertion criteria provided. Collection method: not provided. Allele origin: unknown. Not counted in ClinVar's aggregate classification.
Comment: FinDis database variant: This variant was not found or characterized by our laboratory, data were collected from public sources: see reference
ClinVar note: Converted during submission from probable-pathogenic to Likely pathogenic.

NM_001042432.2(CLN3):c.485C>G (p.Ser162Ter)

Gene: CLN3 (CLN3 lysosomal/endosomal transmembrane protein, battenin; minus strand). Cytogenetic location: 16p12.1.
Variant type: single nucleotide variant.
Coding change: c.485C>G on transcript NM_001042432.2 (MANE Select); coding-DNA position 485, C replaced by G.
Protein change: p.Ser162Ter; replaces serine 162 with a stop codon.
Molecular consequence: nonsense.
Genome position (GRCh38, 1-based): chr16:28,486,626, G>C on the plus strand (C>G on the coding strand, the complement: CLN3 is on the minus strand). VCF-style: chr16-28486626-G-C. GRCh37 (hg19) VCF-style: chr16-28497947-G-C.
Other names: c.485C>G, p.Ser162Ter (NM_000086.2); c.413C>G, p.Ser138Ter (NM_001286104.2); c.185C>G, p.Ser62Ter (NM_001286105.2); c.251C>G, p.Ser84Ter (NM_001286109.2); c.323C>G, p.Ser108Ter (NM_001286110.2); short protein forms S162*, S108*, S138*, S84*, S62*.
Identifiers: ClinVar variation 56275 (VCV000056275.4), dbSNP rs386833725, ClinGen allele CA263686.